The following is an entry in ClinVar:

ClinVar aggregate classification (germline): Pathogenic/Likely pathogenic. Review status: criteria provided, multiple submitters, no conflicts (2 of 4 stars). 4 submissions from 4 submitters: Pathogenic (1); Likely pathogenic (3). Last evaluated 2026-04-14.

Conditions:
Cholestasis, intrahepatic, of pregnancy, 3. Identifiers: Orphanet 69665, MedGen C3554241, MONDO:0013995, OMIM 614972.
Progressive familial intrahepatic cholestasis type 3. Also called: Low Gamma-GT Familial Intrahepatic Cholestasis; MDR3 DEFICIENCY. Identifiers: Orphanet 79305, MedGen C1865643, MONDO:0011214, OMIM 602347.
Low phospholipid associated cholelithiasis (GBD1). Also called: Gallstone cholecystitis; Gallbladder disease 1. Identifiers: Orphanet 69663, MedGen C2609268, MONDO:0010939, OMIM 600803.
Familial intrahepatic cholestasis. Identifiers: Orphanet 284385, MedGen CN296401, MONDO:0017290.

Submissions (4):

Genomenon, Inc
Classification: Likely pathogenic for Familial intrahepatic cholestasis; Low phospholipid associated cholelithiasis. Last evaluated: 2026-04-14. Review status: criteria provided, single submitter. Criteria: Genomenon Sequence Variant Interpretation Standards - Updated. Collection method: curation. Allele origin: germline. Affected: yes.
Comment: ABCB4 p.Glu898Lys (c.2692G>A) is a missense variant that changes the amino acid at residue 898 from Glutamic acid to Lysine. This variant has been observed in at least one proband with an ABCB4-related disorder (PMID:34961929;33915153;31538484). The variant was found to segregate with disease in at least one affected family (PMID:33915153). It is absent or not present at a significant frequency in gnomAD. In silico models predict that this variant is possibly or probably damaging. In conclusion, we classify ABCB4 p.Glu898Lys (c.2692G>A) as a likely pathogenic variant.

Genomic Medicine Center of Excellence, King Faisal Specialist Hospital and Research Centre
Classification: Likely pathogenic for Cholestasis, intrahepatic, of pregnancy, 3. Last evaluated: 2024-12-18. Review status: criteria provided, single submitter. Criteria: ACMG Guidelines, 2015. Collection method: clinical testing. Allele origin: germline.

Baylor Genetics
Classification: Likely pathogenic for Progressive familial intrahepatic cholestasis type 3. Last evaluated: 2020-05-05. Review status: criteria provided, single submitter. Criteria: ACMG Guidelines, 2015. Collection method: clinical testing. Allele origin: unknown. Affected: yes.
Comment: This variant was determined to be likely pathogenic according to ACMG Guidelines, 2015 [PMID:25741868].

Pathology and Clinical Laboratory Medicine, King Fahad Medical City
Classification: Pathogenic for Progressive familial intrahepatic cholestasis type 3. Review status: criteria provided, single submitter. Criteria: ACMG Guidelines, 2015. Collection method: clinical testing. Allele origin: germline. Affected: yes. Observed: 2 variant alleles.

Literature cited by the submitters: PubMed 34961929 (cited by Genomenon, Inc); PubMed 33915153 (cited by Genomenon, Inc); PubMed 31538484 (cited by Genomenon, Inc).

NM_000443.4(ABCB4):c.2692G>A (p.Glu898Lys)

Gene: ABCB4 (ATP binding cassette subfamily B member 4; minus strand). Cytogenetic location: 7q21.12.
Variant type: single nucleotide variant.
Coding change: c.2692G>A on transcript NM_000443.4 (MANE Select); coding-DNA position 2692, G replaced by A.
Protein change: p.Glu898Lys; replaces glutamic acid 898 with lysine.
Molecular consequence: missense variant.
Genome position (GRCh38, 1-based): chr7:87,413,708, C>T on the plus strand (G>A on the coding strand, the complement: ABCB4 is on the minus strand). VCF-style: chr7-87413708-C-T. GRCh37 (hg19) VCF-style: chr7-87043024-C-T.
Other names: c.2692G>A, p.Glu898Lys (NM_018849.3, NM_018850.3); short protein forms E898K.
Identifiers: ClinVar variation 982084 (VCV000982084.4), dbSNP rs1808782267, ClinGen allele CA368060979.